The following is an entry in ClinVar:

NM_004380.3(CREBBP):c.1082T>A (p.Leu361Gln)

Gene: CREBBP (CREB binding lysine acetyltransferase; minus strand). Cytogenetic location: 16p13.3.
Variant type: single nucleotide variant.
Coding change: c.1082T>A on transcript NM_004380.3 (MANE Select); coding-DNA position 1082, T replaced by A.
Protein change: p.Leu361Gln; replaces leucine 361 with glutamine.
Molecular consequence: missense variant.
Genome position (GRCh38, 1-based): chr16:3,793,520, A>T on the plus strand (T>A on the coding strand, the complement: CREBBP is on the minus strand). VCF-style: chr16-3793520-A-T. GRCh37 (hg19) VCF-style: chr16-3843521-A-T.
Other names: c.1082T>A, p.Leu361Gln (NM_001079846.1); short protein forms L361Q.
Identifiers: ClinVar variation 3719851 (VCV003719851.2).

ClinVar aggregate classification (germline): Uncertain significance (1 of 4 stars; one submission).

Conditions:
Rubinstein-Taybi syndrome (RSTS). Identifiers: Orphanet 783, MedGen C0035934, MONDO:0019188.

Submission:

Labcorp Genetics (formerly Invitae), Labcorp
Classification: Uncertain significance for Rubinstein-Taybi syndrome. Last evaluated: 2024-09-26. Review status: criteria provided, single submitter. Criteria: Invitae Variant Classification Sherloc (09022015). Collection method: clinical testing. Allele origin: germline.
Comment: This sequence change replaces leucine, which is neutral and non-polar, with glutamine, which is neutral and polar, at codon 361 of the CREBBP protein (p.Leu361Gln). This variant is not present in population databases (gnomAD no frequency). This variant has not been reported in the literature in individuals affected with CREBBP-related conditions. Invitae Evidence Modeling of protein sequence and biophysical properties (such as structural, functional, and spatial information, amino acid conservation, physicochemical variation, residue mobility, and thermodynamic stability) indicates that this missense variant is expected to disrupt CREBBP protein function with a positive predictive value of 95%. In summary, the available evidence is currently insufficient to determine the role of this variant in disease. Therefore, it has been classified as a Variant of Uncertain Significance.